The following is an entry in ClinVar:

NM_001376.5(DYNC1H1):c.2069G>A (p.Arg690His)

Gene: DYNC1H1 (dynein cytoplasmic 1 heavy chain 1; plus strand). Cytogenetic location: 14q32.31.
Variant type: single nucleotide variant.
Coding change: c.2069G>A on transcript NM_001376.5 (MANE Select); coding-DNA position 2069, G replaced by A.
Protein change: p.Arg690His; replaces arginine 690 with histidine.
Molecular consequence: missense variant.
Genome position (GRCh38, 1-based): chr14:101,986,294, G>A. VCF-style: chr14-101986294-G-A. GRCh37 (hg19) VCF-style: chr14-102452631-G-A.
Other names: short protein forms R690H.
Identifiers: ClinVar variation 2731034 (VCV002731034.3), dbSNP rs1411940199, ClinGen allele CA391020617.

ClinVar aggregate classification (germline): Uncertain significance (1 of 4 stars; one submission).

Conditions:
Charcot-Marie-Tooth disease axonal type 2O. Also called: Charcot-Marie-Tooth disease, axonal, type 20; CHARCOT-MARIE-TOOTH NEUROPATHY, AXONAL, TYPE 2O; CHARCOT-MARIE-TOOTH DISEASE, AXONAL, AUTOSOMAL DOMINANT, TYPE 2O; Charcot-Marie-Tooth Neuropathy Type 2O. Identifiers: Orphanet 284232, MedGen C3280220, MONDO:0013644, OMIM 614228.

Allele frequency attached by ClinVar (database versions not stated): TOPMed below 0.00001.

Submission:

Labcorp Genetics (formerly Invitae), Labcorp
Classification: Uncertain significance for Charcot-Marie-Tooth disease axonal type 2O. Last evaluated: 2023-05-23. Review status: criteria provided, single submitter. Criteria: Invitae Variant Classification Sherloc (09022015). Collection method: clinical testing. Allele origin: germline.
Comment: In summary, the available evidence is currently insufficient to determine the role of this variant in disease. Therefore, it has been classified as a Variant of Uncertain Significance. Advanced modeling of protein sequence and biophysical properties (such as structural, functional, and spatial information, amino acid conservation, physicochemical variation, residue mobility, and thermodynamic stability) performed at Invitae indicates that this missense variant is expected to disrupt DYNC1H1 protein function. This variant has not been reported in the literature in individuals affected with DYNC1H1-related conditions. This variant is not present in population databases (gnomAD no frequency). This sequence change replaces arginine, which is basic and polar, with histidine, which is basic and polar, at codon 690 of the DYNC1H1 protein (p.Arg690His).